The following is an entry in ClinVar:

ClinVar aggregate classification (germline): Likely benign (0 of 4 stars; one submission).

Conditions:
VPS13B-related disorder. Also called: VPS13B-related condition.

Submission:

PreventionGenetics, part of Exact Sciences
Classification: Likely benign for VPS13B-related condition. Last evaluated: 2023-03-06. Review status: no assertion criteria provided. Collection method: clinical testing. Allele origin: germline.
Comment: This variant is classified as likely benign based on ACMG/AMP sequence variant interpretation guidelines (Richards et al. 2015 PMID: 25741868, with internal and published modifications).

NM_152564.5(VPS13B):c.4224+7C>A

Gene: VPS13B (vacuolar protein sorting 13 homolog B; plus strand). Cytogenetic location: 8q22.2.
Variant type: single nucleotide variant.
Coding change: c.4224+7C>A on transcript NM_152564.5 (MANE Select); 7 bases into the intron after coding-DNA position 4224, C replaced by A.
Molecular consequence: intron variant.
Genome position (GRCh38, 1-based): chr8:99,507,210, C>A. VCF-style: chr8-99507210-C-A. GRCh37 (hg19) VCF-style: chr8-100519438-C-A.
Other names: c.4158-560C>A (NM_017890.5).
Identifiers: ClinVar variation 3054281 (VCV003054281.2), dbSNP rs1007158742, ClinGen allele CA182982416.